The following is an entry in ClinVar:

NM_007294.4(BRCA1):c.1925_1929del (p.Asp642fs)

Gene: BRCA1 (BRCA1 DNA repair associated; minus strand). Cytogenetic location: 17q21.31.
Variant type: Deletion.
Coding change: c.1925_1929del on transcript NM_007294.4 (MANE Select); coding-DNA positions 1925 to 1929, 5 bases deleted (ATAGT; older notation c.1925_1929delATAGT).
Protein change: p.Asp642fs; shifts the reading frame from aspartic acid 642.
Molecular consequence: frameshift variant. On other transcripts: intron variant (137).
Genome position (GRCh38, 1-based): chr17:43,093,602-43,093,606, ACTAT deleted on the plus strand (ATAGT on the coding strand, the reverse complement: BRCA1 is on the minus strand). VCF-style (leftmost placement, unchanged base first): chr17-43093601-AACTAT-A. GRCh37 (hg19) VCF-style: chr17-41245618-AACTAT-A.
Other names: c.1925_1929del, p.Asp642fs (NM_001407581.1, NM_007300.4, NM_001407582.1 and 30 more transcripts); c.1712_1716del, p.Asp571fs (NM_001407571.1, NM_001407853.1, NM_001407894.1 and 9 more transcripts); c.1544_1548del, p.Asp515fs (NM_001407959.1, NM_001407960.1, NM_001407963.1); c.1541_1545del, p.Asp514fs (NM_001407962.1); c.1589_1593del, p.Asp530fs (NM_001407958.1, NM_001407954.1, NM_001407955.1 and 1 more transcripts); c.1781_1785del, p.Asp594fs (NM_001407964.1, NM_001407740.1, NM_001407741.1 and 20 more transcripts); c.1421_1425del, p.Asp474fs (NM_001407965.1); c.1037_1041del, p.Asp346fs (NM_001407966.1, NM_001407967.1); and 40 more; short protein forms D346fs, D641fs, D642fs, D531fs, D553fs, D571fs, D574fs, D575fs.
Identifiers: ClinVar variation 3655420 (VCV003655420.2).

ClinVar aggregate classification (germline): Pathogenic (1 of 4 stars; one submission).

Conditions:
Hereditary breast ovarian cancer syndrome. Also called: BRCA1- and BRCA2-Associated Hereditary Breast and Ovarian Cancer; Breast and ovarian cancer; Hereditary breast and ovarian cancer syndrome (HBOC); Hereditary breast and ovarian cancer syndrome; Hereditary breast and/or ovarian cancer syndrome; Hereditary breast and ovarian cancer. Identifiers: Orphanet 145, MedGen C0677776, MeSH D061325, MONDO:0003582. Disease mechanism: loss of function.

Submission:

Labcorp Genetics (formerly Invitae), Labcorp
Classification: Pathogenic for Hereditary breast ovarian cancer syndrome. Last evaluated: 2024-06-04. Review status: criteria provided, single submitter. Criteria: Invitae Variant Classification Sherloc (09022015). Collection method: clinical testing. Allele origin: germline.
Comment: This sequence change creates a premature translational stop signal (p.Asp642Valfs*3) in the BRCA1 gene. It is expected to result in an absent or disrupted protein product. Loss-of-function variants in BRCA1 are known to be pathogenic (PMID: 20104584). This variant is not present in population databases (gnomAD no frequency). This variant has not been reported in the literature in individuals affected with BRCA1-related conditions. For these reasons, this variant has been classified as Pathogenic.

Literature cited by the submitters: PubMed 20104584.